The following is an entry in ClinVar:

ClinVar aggregate classification (germline): Uncertain significance. Review status: criteria provided, multiple submitters, no conflicts (2 of 4 stars). 3 submissions from 3 submitters: Uncertain significance (3). Last evaluated 2021-12-05.

Conditions:
Hereditary cancer-predisposing syndrome. Also called: Hereditary neoplastic syndrome; Tumor predisposition; Neoplastic Syndromes, Hereditary; Hereditary Cancer Syndrome. Identifiers: Orphanet 140162, MedGen C0027672, MeSH D009386, MONDO:0015356.
Hereditary nonpolyposis colorectal neoplasms. Identifiers: MedGen C0009405, MeSH D003123.

Allele frequency attached by ClinVar (database versions not stated): gnomAD exomes below 0.00001.
gnomAD v4.1: 1 of 1,613,242 alleles (0.000062%); highest among the groups gnomAD compares: Non-Finnish European, 0.000085%; no homozygotes.

Submissions (3):

Labcorp Genetics (formerly Invitae), Labcorp
Classification: Uncertain significance for Hereditary nonpolyposis colorectal neoplasms. Last evaluated: 2021-12-05. Review status: criteria provided, single submitter. Criteria: Invitae Variant Classification Sherloc (09022015). Collection method: clinical testing. Allele origin: germline.
Comment: In summary, the available evidence is currently insufficient to determine the role of this variant in disease. Therefore, it has been classified as a Variant of Uncertain Significance. Advanced modeling of protein sequence and biophysical properties (such as structural, functional, and spatial information, amino acid conservation, physicochemical variation, residue mobility, and thermodynamic stability) performed at Invitae indicates that this missense variant is not expected to disrupt MSH6 protein function. ClinVar contains an entry for this variant (Variation ID: 420122). This missense change has been observed in individual(s) with colorectal cancer (PMID: 20924129). This variant is not present in population databases (gnomAD no frequency). This sequence change replaces proline, which is neutral and non-polar, with alanine, which is neutral and non-polar, at codon 202 of the MSH6 protein (p.Pro202Ala).

GeneDx
Classification: Uncertain significance. Last evaluated: 2016-08-31. Review status: criteria provided, single submitter. Criteria: GeneDx Variant Classification (06012015). Collection method: clinical testing. Allele origin: germline. Affected: yes.
Comment: This variant is denoted MSH6 c.604C>G at the cDNA level, p.Pro202Ala (P202A) at the protein level, and results in the change of a Proline to an Alanine (CCA>GCA). This variant was observed in an early onset colorectal cancer patient with loss of MSH6 protein staining by immunohistochemistry (Giraldez 2010). MSH6 Pro202Ala was not observed in approximately 6,500 individuals of European and African American ancestry in the NHLBI Exome Sequencing Project, suggesting it is not a common benign variant in these populations. Since Proline and Alanine differ in some properties, this is considered a semi-conservative amino acid substitution. MSH6 Pro202Ala occurs at a position that is not conserved and is not located in a known functional domain (Kariola 2002). In silico analyses are inconsistent regarding the effect this variant may have on protein structure and function. Based on currently available evidence, it is unclear whether MSH6 Pro202Ala is a pathogenic or benign variant. We consider it to be a variant of uncertain significance.

Ambry Genetics
Classification: Uncertain significance for Hereditary cancer-predisposing syndrome. Last evaluated: 2016-08-09. Review status: criteria provided, single submitter. Criteria: Ambry Variant Classification Scheme 2023. Collection method: clinical testing. Allele origin: germline.
Comment: The p.P202A variant (also known as c.604C>G), located in coding exon 3 of the MSH6 gene, results from a C to G substitution at nucleotide position 604. The proline at codon 202 is replaced by alanine, an amino acid with highly similar properties. This variant was not reported in population based cohorts in the following databases: Database of Single Nucleotide Polymorphisms (dbSNP), NHLBI Exome Sequencing Project (ESP), and 1000 Genomes Project. In the ESP, this variant was not observed in 6503 samples (13006 alleles) with coverage at this position. To date, this alteration has been detected with an allele frequency of approximately 0.001% (greater than 150000 alleles tested) in our clinical cohort. This amino acid position is not well conserved in available vertebrate species. In addition, the in silico prediction for this alteration is inconclusive. In addition, the CoDP in silico tool predicts this alteration to have a minor impact on molecular function, with a score of 0.00 (Terui H et al. J. Biomed. Sci. 2013;20:25). Since supporting evidence is limited at this time, the clinical significance of this alteration remains unclear.

Literature cited by the submitters: PubMed 20924129 (cited by Labcorp Genetics (formerly Invitae), Labcorp and Ambry Genetics).

NM_000179.3(MSH6):c.604C>G (p.Pro202Ala)

Gene: MSH6 (mutS homolog 6; plus strand). Cytogenetic location: 2p16.3.
Variant type: single nucleotide variant.
Coding change: c.604C>G on transcript NM_000179.3 (MANE Select); coding-DNA position 604, C replaced by G.
Protein change: p.Pro202Ala; replaces proline 202 with alanine.
Molecular consequence: missense variant. On other transcripts: 5 prime UTR variant (1), intron variant (2).
Genome position (GRCh38, 1-based): chr2:47,796,040, C>G. VCF-style: chr2-47796040-C-G. GRCh37 (hg19) VCF-style: chr2-48023179-C-G.
Other names: c.-299C>G (NM_001281494.2); c.-279-2571C>G (NM_001281493.2); c.238-2571C>G (NM_001281492.2); short protein forms P202A.
Identifiers: ClinVar variation 420122 (VCV000420122.12), dbSNP rs1064794301, ClinGen allele CA16617631.